The following is an entry in ClinVar:

NM_025074.7(FRAS1):c.6445C>T (p.Gln2149Ter)

Gene: FRAS1 (Fraser extracellular matrix complex subunit 1; plus strand). Cytogenetic location: 4q21.21.
Variant type: single nucleotide variant.
Coding change: c.6445C>T on transcript NM_025074.7 (MANE Select); coding-DNA position 6445, C replaced by T.
Protein change: p.Gln2149Ter; replaces glutamine 2149 with a stop codon.
Molecular consequence: nonsense.
Genome position (GRCh38, 1-based): chr4:78,450,321, C>T. VCF-style: chr4-78450321-C-T. GRCh37 (hg19) VCF-style: chr4-79371475-C-T.
Other names: c.6445C>T (NM_025074.6); short protein forms Q2149*.
Identifiers: ClinVar variation 4779905 (VCV004779905.2).

ClinVar aggregate classification (germline): Pathogenic. Review status: criteria provided, multiple submitters, no conflicts (2 of 4 stars). 3 submissions from 3 submitters: Pathogenic (3). Last evaluated 2026-01-18.

Conditions:
Fraser syndrome 1 (FRASRS1). Also called: CRYPTOPHTHALMOS WITH OTHER MALFORMATIONS. Identifiers: Orphanet 2052, MedGen C4551480, MONDO:0054737, OMIM 219000.
FRAS1-related disorder. Also called: FRAS1-related condition.

gnomAD v4.1: 17 of 1,613,714 alleles (0.0011%); highest among the groups gnomAD compares: Non-Finnish European, 0.0014%; no homozygotes.

Submissions (3):

Labcorp Genetics (formerly Invitae), Labcorp
Classification: Pathogenic. Last evaluated: 2026-01-18. Review status: criteria provided, single submitter. Criteria: Invitae Variant Classification Sherloc (09022015). Collection method: clinical testing. Allele origin: germline.
Comment: This sequence change creates a premature translational stop signal (p.Gln2149*) in the FRAS1 gene. It is expected to result in an absent or disrupted protein product. Loss-of-function variants in FRAS1 are known to be pathogenic (PMID: 12766769, 18671281). This variant is present in population databases (rs771104610, gnomAD 0.0009%). This variant has not been reported in the literature in individuals affected with FRAS1-related conditions. Algorithms developed to predict the effect of sequence changes on RNA splicing suggest that this variant may disrupt the consensus splice site. For these reasons, this variant has been classified as Pathogenic.

Variantyx, Inc.
Classification: Pathogenic for Fraser syndrome 1. Last evaluated: 2026-01-08. Review status: criteria provided, single submitter. Criteria: Variantyx Assertion Criteria 2022. Collection method: clinical testing. Allele origin: germline. Inheritance: Autosomal recessive inheritance. Affected: yes.
Comment: This is a nonsense variant in the FRAS1 gene (OMIM: 607830). Pathogenic variants in this gene have been associated with autosomal recessive Fraser syndrome 1. This variant introduces a premature termination codon in exon 45 out of 74 and is expected to result in loss of function, which is a known disease mechanism for FRAS1 in this disorder (PMID: 12766769, 18671281) (PVS1). This variant has a 0.0014% maximum allele frequency in non-founder control populations (PM2). Based on the current evidence, this variant is classified as pathogenic for autosomal recessive Fraser syndrome 1.

PreventionGenetics, part of Exact Sciences
Classification: Pathogenic for FRAS1-related condition. Last evaluated: 2025-09-09. Review status: criteria provided, single submitter. Criteria: ACMG Guidelines, 2015. Collection method: clinical testing. Allele origin: germline.
Comment: The FRAS1 c.6445C>T variant is predicted to result in premature protein termination (p.Gln2149*). To our knowledge, this variant has not been reported in the literature. This variant is reported in 0.00089% of alleles in individuals of European (non-Finnish) descent in gnomAD. Nonsense variants in FRAS1 are expected to be pathogenic. This variant is interpreted as pathogenic.

Literature cited by the submitters: PubMed 12766769 (cited by Labcorp Genetics (formerly Invitae), Labcorp and Variantyx, Inc.); PubMed 18671281 (cited by Labcorp Genetics (formerly Invitae), Labcorp and Variantyx, Inc.).